The following is an entry in ClinVar:

NM_006922.4(SCN3A):c.3507T>A (p.Phe1169Leu)

Gene: SCN3A (sodium voltage-gated channel alpha subunit 3; minus strand). Cytogenetic location: 2q24.3.
Variant type: single nucleotide variant.
Coding change: c.3507T>A on transcript NM_006922.4 (MANE Select); coding-DNA position 3507, T replaced by A.
Protein change: p.Phe1169Leu; replaces phenylalanine 1169 with leucine.
Molecular consequence: missense variant.
Genome position (GRCh38, 1-based): chr2:165,115,462, A>T on the plus strand (T>A on the coding strand, the complement: SCN3A is on the minus strand). VCF-style: chr2-165115462-A-T. GRCh37 (hg19) VCF-style: chr2-165971972-A-T.
Other names: c.3360T>A, p.Phe1120Leu (NM_001081676.2, NM_001081677.2); short protein forms F1120L, F1169L.
Identifiers: ClinVar variation 1707033 (VCV001707033.2), dbSNP rs2468165973, ClinGen allele CA349035563.
Genomic context (GRCh38, chr2:165,115,462, plus strand): 5'-TCTCCGTAAAGAACAAGGGGAGATTGTATTTAATCACATCAGAGCTTGTTTACCTTCAGT[A>T]AAACAAGCTTCCGGTTTAAGGTCTTCTTCGGGTTCAGTTTCAGCTTGTTCACCTTCTCGG-3'
Protein context (NP_008853.3, residues 1159-1179): PEEDLKPEAC[Phe1169Leu]TEGCIKKFPF

ClinVar aggregate classification (germline): Uncertain significance (1 of 4 stars; one submission).

Submission:

GeneDx
Classification: Uncertain significance. Last evaluated: 2022-03-24. Review status: criteria provided, single submitter. Criteria: GeneDx Variant Classification Process June 2021. Collection method: clinical testing. Allele origin: germline. Affected: yes.
Comment: Not observed at significant frequency in large population cohorts (gnomAD); In silico analysis supports that this missense variant has a deleterious effect on protein structure/function; Has not been previously published as pathogenic or benign to our knowledge